The following is an entry in ClinVar:

ClinVar aggregate classification (germline): Benign. Review status: criteria provided, multiple submitters, no conflicts (2 of 4 stars). 4 submissions from 4 submitters: Benign (4). Last evaluated 2026-02-01.

Conditions:
Retinitis pigmentosa (RP). Identifiers: Orphanet 791, MedGen C0035334, MeSH D012174, MONDO:0019200, OMIM 268000. Inheritance: Autosomal dominant, autosomal recessive and X linked inheritance.

Allele frequency attached by ClinVar (database versions not stated): gnomAD exomes 0.00211 and 0.00572; ExAC 0.01254; gnomAD 0.02250 and 0.02419; ESP Exome Variant Server 0.02545; TOPMed 0.02603; 1000 Genomes Project 0.02696; 1000 Genomes Project 30x 0.02842.
gnomAD v4.1: 6,606 of 1,604,744 alleles (0.41%); highest among the groups gnomAD compares: African/African-American, 7.8%; 248 homozygotes.

Submissions (4):

Labcorp Genetics (formerly Invitae), Labcorp
Classification: Benign. Last evaluated: 2026-02-01. Review status: criteria provided, single submitter. Criteria: Invitae Variant Classification Sherloc (09022015). Collection method: clinical testing. Allele origin: germline.

GeneDx
Classification: Benign. Last evaluated: 2019-05-19. Review status: criteria provided, single submitter. Criteria: GeneDx Variant Classification Process June 2021. Collection method: clinical testing. Allele origin: germline. Affected: yes.

Illumina Laboratory Services, Illumina
Classification: Benign for Retinitis pigmentosa. Last evaluated: 2018-01-13. Review status: criteria provided, single submitter. Criteria: ICSL Variant Classification Criteria 13 December 2019. Collection method: clinical testing. Allele origin: germline.
Comment: This variant was observed in the ICSL laboratory as part of a predisposition screen in an ostensibly healthy population. It had not been previously curated by ICSL or reported in the Human Gene Mutation Database (HGMD: prior to June 1st, 2018), and was therefore a candidate for classification through an automated scoring system. Utilizing variant allele frequency, disease prevalence and penetrance estimates, and inheritance mode, an automated score was calculated to assess if this variant is too frequent to cause the disease. Based on the score and internal cut-off values, a variant classified as benign is not then subjected to further curation. The score for this variant resulted in a classification of benign for this disease.

Breakthrough Genomics
Classification: Benign. Review status: criteria provided, single submitter. Criteria: ACMG Guidelines, 2015. Collection method: not provided. Allele origin: germline. Inheritance: Autosomal dominant inheritance. Affected: yes.

NM_015629.4(PRPF31):c.239-13C>T

Genes: PRPF31 (pre-mRNA processing factor 31; plus strand), PRPF31-AS1 (PRPF31 antisense RNA 1; minus strand). Cytogenetic location: 19q13.42.
Variant type: single nucleotide variant.
Coding change: c.239-13C>T on transcript NM_015629.4 (MANE Select); 13 bases into the intron before coding-DNA position 239, C replaced by T.
Molecular consequence: intron variant.
Genome position (GRCh38, 1-based): chr19:54,121,847, C>T. VCF-style: chr19-54121847-C-T. GRCh37 (hg19) VCF-style: chr19-54625226-C-T.
Identifiers: ClinVar variation 330096 (VCV000330096.20), dbSNP rs113691122, ClinGen allele CA309323411.